The following is an entry in ClinVar:

ClinVar aggregate classification (germline): Uncertain significance. Review status: criteria provided, multiple submitters, no conflicts (2 of 4 stars). 2 submissions from 2 submitters: Uncertain significance (2). Last evaluated 2025-09-05.

Conditions:
Inborn genetic diseases. Identifiers: MedGen C0950123, MeSH D030342.
Nemaline myopathy 8 (NEM8). Also called: Nemaline myopathy 8, autosomal recessive. Identifiers: Orphanet 171430, MedGen C3809209, MONDO:0014138, OMIM 615348.

Submissions (2):

Ambry Genetics
Classification: Uncertain significance for Inborn genetic diseases. Last evaluated: 2025-09-05. Review status: criteria provided, single submitter. Criteria: Ambry Variant Classification Scheme 2023. Collection method: clinical testing. Allele origin: germline.

Labcorp Genetics (formerly Invitae), Labcorp
Classification: Uncertain significance for Nemaline myopathy 8. Last evaluated: 2022-06-04. Review status: criteria provided, single submitter. Criteria: Invitae Variant Classification Sherloc (09022015). Collection method: clinical testing. Allele origin: germline.
Comment: This sequence change replaces glutamic acid, which is acidic and polar, with glutamine, which is neutral and polar, at codon 371 of the KLHL40 protein (p.Glu371Gln). This variant is not present in population databases (gnomAD no frequency). This variant has not been reported in the literature in individuals affected with KLHL40-related conditions. ClinVar contains an entry for this variant (Variation ID: 949223). Algorithms developed to predict the effect of missense changes on protein structure and function (SIFT, PolyPhen-2, Align-GVGD) all suggest that this variant is likely to be disruptive. In summary, the available evidence is currently insufficient to determine the role of this variant in disease. Therefore, it has been classified as a Variant of Uncertain Significance.

NM_152393.4(KLHL40):c.1111G>C (p.Glu371Gln)

Gene: KLHL40 (kelch like family member 40; plus strand). Cytogenetic location: 3p22.1.
Variant type: single nucleotide variant.
Coding change: c.1111G>C on transcript NM_152393.4 (MANE Select); coding-DNA position 1111, G replaced by C.
Protein change: p.Glu371Gln; replaces glutamic acid 371 with glutamine.
Molecular consequence: missense variant.
Genome position (GRCh38, 1-based): chr3:42,686,729, G>C. VCF-style: chr3-42686729-G-C. GRCh37 (hg19) VCF-style: chr3-42728221-G-C.
Other names: c.1111G>C (NM_152393.2); short protein forms E371Q.
Identifiers: ClinVar variation 949223 (VCV000949223.7), dbSNP rs771203108, ClinGen allele CA352292549.
Genomic context (GRCh38, chr3:42,686,729, plus strand): 5'-CACGTCAGCCTGGTTACCAAGGAGAACCAGGTCTTCGTGGCTGGAGGCCTCTTCTACAAC[G>C]AAGACAACAAAGAGGACCCCATGAGCGCATACTTCCTGCAGGTGCCTGACCAGCCTTGGG-3'
Protein context (NP_689606.2, residues 361-381): VFVAGGLFYN[Glu371Gln]DNKEDPMSAY